The following is an entry in ClinVar:

ClinVar aggregate classification (germline): Pathogenic (1 of 4 stars; one submission).

Conditions:
Familial cancer of breast. Also called: Hereditary breast cancer; BREAST CANCER, FAMILIAL; hereditary breast carcinoma. Identifiers: Orphanet 227535, MedGen C0346153, MONDO:0016419, OMIM 114480. Disease mechanism: loss of function.

Submission:

Myriad Genetics, Inc.
Classification: Pathogenic for Familial cancer of breast. Last evaluated: 2023-01-17. Review status: criteria provided, single submitter. Criteria: Myriad Autosomal Dominant, Autosomal Recessive and X-Linked Classification Criteria (2023). Collection method: clinical testing. Allele origin: unknown.
Comment: This variant is considered pathogenic. This variant creates a frameshift predicted to result in premature protein truncation.

NM_032043.3(BRIP1):c.2082del (p.Leu695fs)

Gene: BRIP1 (BRCA1 interacting DNA helicase 1; minus strand). Cytogenetic location: 17q23.2.
Variant type: Deletion.
Coding change: c.2082del on transcript NM_032043.3 (MANE Select); coding-DNA position 2082, one base deleted (C; older notation c.2082delC).
Protein change: p.Leu695fs; shifts the reading frame from leucine 695.
Molecular consequence: frameshift variant.
Genome position (GRCh38, 1-based): chr17:61,776,416, G deleted on the plus strand (C on the coding strand, the reverse complement: BRIP1 is on the minus strand). VCF-style (leftmost placement, unchanged base first): chr17-61776415-AG-A. GRCh37 (hg19) VCF-style: chr17-59853776-AG-A.
Other names: short protein forms L695fs.
Identifiers: ClinVar variation 2431249 (VCV002431249.1), dbSNP rs2544996237, ClinGen allele CA2580094465.